The following is an entry in ClinVar:

NM_015602.4(TOR1AIP1):c.938A>G (p.Asn313Ser)

Gene: TOR1AIP1 (torsin 1A interacting protein 1; plus strand). Cytogenetic location: 1q25.2.
Variant type: single nucleotide variant.
Coding change: c.938A>G on transcript NM_015602.4 (MANE Select); coding-DNA position 938, A replaced by G.
Protein change: p.Asn313Ser; replaces asparagine 313 with serine.
Molecular consequence: missense variant.
Genome position (GRCh38, 1-based): chr1:179,914,028, A>G. VCF-style: chr1-179914028-A-G. GRCh37 (hg19) VCF-style: chr1-179883163-A-G.
Other names: c.941A>G, p.Asn314Ser (NM_001267578.2); short protein forms N313S, N314S.
Identifiers: ClinVar variation 1519328 (VCV001519328.6), dbSNP rs1571738635, ClinGen allele CA343571947.
Genomic context (GRCh38, chr1:179,914,028, plus strand): 5'-ATAGTCTTATTTTATTACTCTCACCATTAGATGACAGCATTCTGAAATCAGAGCTTGGAA[A>G]CCAGTCACCATCAACCTCCAGCCGACGTAAGTTTATGTATTCAGTTTTTATTAAATATTT-3'
Protein context (NP_056417.2, residues 303-323): NDSILKSELG[Asn313Ser]QSPSTSSRQV

ClinVar aggregate classification (germline): Uncertain significance (1 of 4 stars; one submission).

Conditions:
Autosomal recessive limb-girdle muscular dystrophy type 2Y (MRRSDC). Also called: Muscular dystrophy, autosomal recessive, with rigid spine and distal joint contractures; Muscular dystrophy, limb-girdle, type 2y. Identifiers: Orphanet 424261, MedGen C4511482, MONDO:0014900, OMIM 617072.

Submission:

Labcorp Genetics (formerly Invitae), Labcorp
Classification: Uncertain significance for Autosomal recessive limb-girdle muscular dystrophy type 2Y. Last evaluated: 2021-11-11. Review status: criteria provided, single submitter. Criteria: Invitae Variant Classification Sherloc (09022015). Collection method: clinical testing. Allele origin: germline.
Comment: This sequence change replaces asparagine, which is neutral and polar, with serine, which is neutral and polar, at codon 314 of the TOR1AIP1 protein (p.Asn314Ser). This variant is not present in population databases (gnomAD no frequency). This variant has not been reported in the literature in individuals affected with TOR1AIP1-related conditions. Algorithms developed to predict the effect of missense changes on protein structure and function (SIFT, PolyPhen-2, Align-GVGD) all suggest that this variant is likely to be tolerated. In summary, the available evidence is currently insufficient to determine the role of this variant in disease. Therefore, it has been classified as a Variant of Uncertain Significance.